The following is an entry in ClinVar:

NM_181552.4(CUX1):c.4199G>C (p.Gly1400Ala)

Gene: CUX1 (cut like homeobox 1; plus strand). Cytogenetic location: 7q22.1.
Variant type: single nucleotide variant.
Coding change: c.4199G>C on transcript NM_181552.4 (MANE Select); coding-DNA position 4199, G replaced by C.
Protein change: p.Gly1400Ala; replaces glycine 1400 with alanine.
Molecular consequence: missense variant. On other transcripts: intron variant (5).
Genome position (GRCh38, 1-based): chr7:102,248,723, G>C. VCF-style: chr7-102248723-G-C. GRCh37 (hg19) VCF-style: chr7-101892003-G-C.
Other names: c.4232G>C, p.Gly1411Ala (NM_001202543.2); c.1256-24643G>C (NM_001913.5); c.1250-24643G>C (NM_181500.4); c.1118-24643G>C (NM_001202545.3); c.1208-24643G>C (NM_001202544.3); c.1139-24643G>C (NM_001202546.3); short protein forms G1400A, G1411A.
Identifiers: ClinVar variation 4689907 (VCV004689907.1).

ClinVar aggregate classification (germline): Uncertain significance (1 of 4 stars; one submission).

Submission:

GeneDx
Classification: Uncertain significance. Last evaluated: 2025-07-31. Review status: criteria provided, single submitter. Criteria: GeneDx Variant Classification Process June 2021. Collection method: clinical testing. Allele origin: germline. Affected: yes.
Comment: Not observed at significant frequency in large population cohorts (gnomAD); In silico analysis suggests that this missense variant does not alter protein structure/function; Has not been previously published as pathogenic or benign to our knowledge